The following is an entry in ClinVar:

ClinVar aggregate classification (germline): Uncertain significance (1 of 4 stars; one submission).

Conditions:
RYR1-related disorder. Also called: RYR1-related condition; RYR1-related disorders. Identifiers: MedGen CN239331.

Submission:

Labcorp Genetics (formerly Invitae), Labcorp
Classification: Uncertain significance for RYR1-related disorder. Last evaluated: 2022-03-20. Review status: criteria provided, single submitter. Criteria: Invitae Variant Classification Sherloc (09022015). Collection method: clinical testing. Allele origin: germline.
Comment: In summary, the available evidence is currently insufficient to determine the role of this variant in disease. Therefore, it has been classified as a Variant of Uncertain Significance. Algorithms developed to predict the effect of missense changes on protein structure and function (SIFT, PolyPhen-2, Align-GVGD) all suggest that this variant is likely to be tolerated. This variant has not been reported in the literature in individuals affected with RYR1-related conditions. This variant is not present in population databases (gnomAD no frequency). This sequence change replaces aspartic acid, which is acidic and polar, with glutamic acid, which is acidic and polar, at codon 2629 of the RYR1 protein (p.Asp2629Glu).

NM_000540.3(RYR1):c.7887C>A (p.Asp2629Glu)

Gene: RYR1 (ryanodine receptor 1; plus strand). Cytogenetic location: 19q13.2.
Variant type: single nucleotide variant.
Coding change: c.7887C>A on transcript NM_000540.3 (MANE Select); coding-DNA position 7887, C replaced by A.
Protein change: p.Asp2629Glu; replaces aspartic acid 2629 with glutamic acid.
Molecular consequence: missense variant.
Genome position (GRCh38, 1-based): chr19:38,502,931, C>A. VCF-style: chr19-38502931-C-A. GRCh37 (hg19) VCF-style: chr19-38993571-C-A.
Other names: c.7887C>A, p.Asp2629Glu (NM_001042723.2); short protein forms D2629E.
Identifiers: ClinVar variation 2115436 (VCV002115436.4), dbSNP rs759821097, ClinGen allele CA405673961.